The following is an entry in ClinVar:

ClinVar aggregate classification (germline): Uncertain significance. Review status: criteria provided, multiple submitters, no conflicts (2 of 4 stars). 2 submissions from 2 submitters: Uncertain significance (2). Last evaluated 2025-09-02.

Conditions:
Inborn genetic diseases. Identifiers: MedGen C0950123, MeSH D030342.

Allele frequency attached by ClinVar (database versions not stated): ExAC 0.00002; TOPMed 0.00006; gnomAD exomes 0.00007; ESP Exome Variant Server 0.00008; gnomAD 0.00010.
gnomAD v4.1: 117 of 1,613,688 alleles (0.0073%); highest among the groups gnomAD compares: Middle Eastern, 0.033%; no homozygotes.

Submissions (2):

Labcorp Genetics (formerly Invitae), Labcorp
Classification: Uncertain significance. Last evaluated: 2025-09-02. Review status: criteria provided, single submitter. Criteria: Invitae Variant Classification Sherloc (09022015). Collection method: clinical testing. Allele origin: germline.
Comment: This sequence change replaces proline, which is neutral and non-polar, with leucine, which is neutral and non-polar, at codon 1409 of the WDR62 protein (p.Pro1409Leu). This variant is present in population databases (rs368357599, gnomAD 0.006%). This variant has not been reported in the literature in individuals affected with WDR62-related conditions. ClinVar contains an entry for this variant (Variation ID: 2077841). An algorithm developed to predict the effect of missense changes on protein structure and function (PolyPhen-2) suggests that this variant is likely to be disruptive. In summary, the available evidence is currently insufficient to determine the role of this variant in disease. Therefore, it has been classified as a Variant of Uncertain Significance.

Ambry Genetics
Classification: Uncertain significance for Inborn genetic diseases. Last evaluated: 2025-06-18. Review status: criteria provided, single submitter. Criteria: Ambry Variant Classification Scheme 2023. Collection method: clinical testing. Allele origin: germline.

NM_001083961.2(WDR62):c.4226C>T (p.Pro1409Leu)

Gene: WDR62 (WD repeat domain 62; plus strand). Cytogenetic location: 19q13.12.
Variant type: single nucleotide variant.
Coding change: c.4226C>T on transcript NM_001083961.2 (MANE Select); coding-DNA position 4226, C replaced by T.
Protein change: p.Pro1409Leu; replaces proline 1409 with leucine.
Molecular consequence: missense variant.
Genome position (GRCh38, 1-based): chr19:36,104,590, C>T. VCF-style: chr19-36104590-C-T. GRCh37 (hg19) VCF-style: chr19-36595492-C-T.
Other names: c.4211C>T, p.Pro1404Leu (NM_001411145.1, NM_173636.5); c.3977C>T, p.Pro1326Leu (NM_001411146.1); c.3875C>T, p.Pro1292Leu (NM_001411147.1); c.4226C>T (NM_001083961.1); short protein forms P1409L, P1404L, P1292L, P1326L.
Identifiers: ClinVar variation 2077841 (VCV002077841.4), dbSNP rs368357599, ClinGen allele CA9396508.